The following is an entry in ClinVar:

ClinVar aggregate classification (germline): Likely benign (1 of 4 stars; one submission).

Submission:

Laboratory for Molecular Medicine, Mass General Brigham Personalized Medicine
Classification: Likely benign. Last evaluated: 2013-03-06. Review status: criteria provided, single submitter. Criteria: LMM Criteria. Collection method: clinical testing. Allele origin: germline. Observed: 1 variant allele.
Comment: Leu29829Leu in exon 297 of TTN: This variant is not expected to have clinical si gnificance because it does not alter an amino acid residue and is not located wi thin the splice consensus sequence. Leu29829Leu in exon 297 of TTN (allele freq uency = n/a)

NM_001267550.2(TTN):c.97191T>G (p.Leu32397=)

Genes: TTN-AS1 (TTN antisense RNA 1; plus strand), TTN (titin; minus strand), LOC129935186 (ATAC-STARR-seq lymphoblastoid active region 16811; plus strand). Cytogenetic location: 2q31.2.
Variant type: single nucleotide variant.
Coding change: c.97191T>G on transcript NM_001267550.2 (MANE Select); coding-DNA position 97191, T replaced by G.
Protein change: p.Leu32397=; no amino-acid change (leucine 32397 retained).
Molecular consequence: synonymous variant.
Genome position (GRCh38, 1-based): chr2:178,542,663, A>C on the plus strand (T>G on the coding strand, the complement: TTN is on the minus strand). VCF-style: chr2-178542663-A-C. GRCh37 (hg19) VCF-style: chr2-179407390-A-C.
Other names: c.89487T>G, p.Leu29829= (NM_133378.4); c.92268T>G, p.Leu30756= (NM_001256850.1); c.69996T>G, p.Leu23332= (NM_003319.4); c.70371T>G, p.Leu23457= (NM_133432.3); c.70572T>G, p.Leu23524= (NM_133437.4).
Identifiers: ClinVar variation 47581 (VCV000047581.5), dbSNP rs397517767, ClinGen allele CA141417.